The following is an entry in ClinVar:

ClinVar aggregate classification (germline): Uncertain significance (1 of 4 stars; one submission).

Conditions:
Netherton syndrome (NETH). Also called: NETHERTON DISEASE; ERYTHRODERMA, ICHTHYOSIFORM, WITH HYPOTRICHOSIS AND HYPER-IgE; COMEL-NETHERTON SYNDROME. Identifiers: Orphanet 634, MedGen C5574950, MONDO:0009735, OMIM 256500.

Allele frequency attached by ClinVar (database versions not stated): gnomAD exomes below 0.00001 and 0.00002; ExAC 0.00001; gnomAD 0.00001; TOPMed 0.00002.
gnomAD v4.1: 39 of 1,613,966 alleles (0.0024%); highest among the groups gnomAD compares: Non-Finnish European, 0.003%; no homozygotes.

Submission:

Labcorp Genetics (formerly Invitae), Labcorp
Classification: Uncertain significance for Ichthyosis linearis circumflexa. Last evaluated: 2021-08-27. Review status: criteria provided, single submitter. Criteria: Invitae Variant Classification Sherloc (09022015). Collection method: clinical testing. Allele origin: germline.
Comment: This sequence change replaces glutamic acid with alanine at codon 791 of the SPINK5 protein (p.Glu791Ala). The glutamic acid residue is highly conserved and there is a moderate physicochemical difference between glutamic acid and alanine. This variant is present in population databases (rs756155612, ExAC 0.002%). This variant has not been reported in the literature in individuals affected with SPINK5-related conditions. Algorithms developed to predict the effect of missense changes on protein structure and function are either unavailable or do not agree on the potential impact of this missense change (SIFT: "Deleterious"; PolyPhen-2: "Probably Damaging"; Align-GVGD: "Class C0"). In summary, the available evidence is currently insufficient to determine the role of this variant in disease. Therefore, it has been classified as a Variant of Uncertain Significance.

NM_006846.4(SPINK5):c.2372A>C (p.Glu791Ala)

Gene: SPINK5 (serine peptidase inhibitor Kazal type 5; plus strand). Cytogenetic location: 5q32.
Variant type: single nucleotide variant.
Coding change: c.2372A>C on transcript NM_006846.4 (MANE Select); coding-DNA position 2372, A replaced by C.
Protein change: p.Glu791Ala; replaces glutamic acid 791 with alanine.
Molecular consequence: missense variant.
Genome position (GRCh38, 1-based): chr5:148,120,067, A>C. VCF-style: chr5-148120067-A-C. GRCh37 (hg19) VCF-style: chr5-147499630-A-C.
Other names: c.2372A>C, p.Glu791Ala (NM_001127698.2, NM_001127699.2); short protein forms E791A.
Identifiers: ClinVar variation 1025845 (VCV001025845.6), dbSNP rs756155612, ClinGen allele CA3495971.
Genomic context (GRCh38, chr5:148,120,067, plus strand): 5'-AGGATACATGTGATGAGTTTAGAAGCCAAATGAAAAATGGAAAACTCATCTGCACTCGAG[A>C]AAGTGACCCTGTCCGGGGTCCAGATGGCAAGACACATGGCAATAAGTGTACTATGTGTAA-3'
Protein context (NP_006837.2, residues 781-801): MKNGKLICTR[Glu791Ala]SDPVRGPDGK